The following is an entry in ClinVar:

ClinVar aggregate classification (germline): Uncertain significance (1 of 4 stars; one submission).

Submission:

GeneDx
Classification: Uncertain significance. Last evaluated: 2026-06-22. Review status: criteria provided, single submitter. Criteria: GeneDx Variant Classification Process June 2021. Collection method: clinical testing. Allele origin: germline.
Comment: Not observed at significant frequency in large population cohorts (gnomAD); In silico analysis supports that this missense variant has a deleterious effect on protein structure/function; Has not been previously published as pathogenic or benign to our knowledge

NM_205768.3(ZBTB18):c.1445G>A (p.Arg482His)

Gene: ZBTB18 (zinc finger and BTB domain containing 18; plus strand). Cytogenetic location: 1q44.
Variant type: single nucleotide variant.
Coding change: c.1445G>A on transcript NM_205768.3 (MANE Select); coding-DNA position 1445, G replaced by A.
Protein change: p.Arg482His; replaces arginine 482 with histidine.
Molecular consequence: missense variant. On other transcripts: 3 prime UTR variant (1).
Genome position (GRCh38, 1-based): chr1:244,055,219, G>A. VCF-style: chr1-244055219-G-A. GRCh37 (hg19) VCF-style: chr1-244218521-G-A.
Other names: c.1418G>A, p.Arg473His (NM_001278196.2, NM_006352.5); c.*622G>A (NM_001421566.1); short protein forms R473H, R482H.
Identifiers: ClinVar variation 3253500 (VCV003253500.2), dbSNP rs2527561570.